The following is an entry in ClinVar:

NM_001036.6(RYR3):c.11945G>A (p.Arg3982Gln)

Gene: RYR3 (ryanodine receptor 3; plus strand). Cytogenetic location: 15q14.
Variant type: single nucleotide variant.
Coding change: c.11945G>A on transcript NM_001036.6 (MANE Select); coding-DNA position 11945, G replaced by A.
Protein change: p.Arg3982Gln; replaces arginine 3982 with glutamine.
Molecular consequence: missense variant.
Genome position (GRCh38, 1-based): chr15:33,837,925, G>A. VCF-style: chr15-33837925-G-A. GRCh37 (hg19) VCF-style: chr15-34130126-G-A.
Other names: c.11945G>A (NM_001036.3); c.11930G>A, p.Arg3977Gln (NM_001243996.4); short protein forms R3982Q, R3977Q.
Identifiers: ClinVar variation 530970 (VCV000530970.7), dbSNP rs374921732, ClinGen allele CA7461330.
Genomic context (GRCh38, chr15:33,837,925, plus strand): 5'-TCCTGTCGTGTGCAGAAGCTGATGAGAATGACATGTTTAATTACGTTGATTTTGTAGACC[G>A]GTTCCATGAGCCAGCCAAGGACATAGGGTTTAATGTGGCTGTGTTATTGACAAATCTTTC-3'
Protein context (NP_001027.3, residues 3972-3992): DMFNYVDFVD[Arg3982Gln]FHEPAKDIGF

ClinVar aggregate classification (germline): Uncertain significance. Review status: criteria provided, multiple submitters, no conflicts (2 of 4 stars). 2 submissions from 2 submitters: Uncertain significance (2). Last evaluated 2025-11-26.

Conditions:
Epileptic encephalopathy. Identifiers: MedGen C0543888, HP:0200134.

Allele frequency attached by ClinVar (database versions not stated): gnomAD 0.00006 and 0.00007; ExAC 0.00002; TOPMed 0.00005; gnomAD exomes 0.00002 and 0.00005; ESP Exome Variant Server 0.00008.
gnomAD v4.1: 83 of 1,613,844 alleles (0.0051%); highest among the groups gnomAD compares: Middle Eastern, 0.049%; no homozygotes.

Submissions (3):

Ambry Genetics
Classification: Uncertain significance. Last evaluated: 2025-11-26. Review status: criteria provided, single submitter. Criteria: Ambry Variant Classification Scheme 2023. Collection method: clinical testing. Allele origin: germline.

Labcorp Genetics (formerly Invitae), Labcorp
Classification: Uncertain significance for Epileptic encephalopathy. Last evaluated: 2022-07-26. Review status: criteria provided, single submitter. Criteria: Invitae Variant Classification Sherloc (09022015). Collection method: clinical testing. Allele origin: germline.
Comment: This sequence change replaces arginine, which is basic and polar, with glutamine, which is neutral and polar, at codon 3982 of the RYR3 protein (p.Arg3982Gln). This variant is present in population databases (rs374921732, gnomAD 0.02%). This variant has not been reported in the literature in individuals affected with RYR3-related conditions. ClinVar contains an entry for this variant (Variation ID: 530970). Algorithms developed to predict the effect of missense changes on protein structure and function output the following: SIFT: "Deleterious"; PolyPhen-2: "Probably Damaging"; Align-GVGD: "Class C0". The glutamine amino acid residue is found in multiple mammalian species, which suggests that this missense change does not adversely affect protein function. In summary, the available evidence is currently insufficient to determine the role of this variant in disease. Therefore, it has been classified as a Variant of Uncertain Significance.

Dr. Peter K. Rogan Lab, Western University
No classification provided (evidence only). Condition: Uterine corpus endometrial carcinoma. Review status: no classification provided. Collection method: in vitro. Allele origin: not applicable. Functional consequence: retained intron. Not counted in ClinVar's aggregate classification.